The following is an entry in ClinVar:

ClinVar aggregate classification (germline): Uncertain significance (1 of 4 stars; one submission).

Conditions:
Cystic fibrosis (CF). Also called: MUCOVISCIDOSIS. Identifiers: Orphanet 586, MedGen C0010674, MONDO:0009061, OMIM 219700. Disease mechanism: loss of function.

Submission:

Ambry Genetics
Classification: Uncertain significance for Cystic fibrosis. Last evaluated: 2024-10-18. Review status: criteria provided, single submitter. Criteria: Ambry Variant Classification Scheme 2023. Collection method: clinical testing. Allele origin: germline.
Comment: The p.R1479S variant (also known as c.4437G>C), located in coding exon 27 of the CFTR gene, results from a G to C substitution at nucleotide position 4437. The arginine at codon 1479 is replaced by serine, an amino acid with dissimilar properties. This amino acid position is conserved. In addition, the in silico prediction for this alteration is inconclusive. Based on the available evidence, the clinical significance of this variant remains unclear.

NM_000492.4(CFTR):c.4437G>C (p.Arg1479Ser)

Genes: CFTR (CF transmembrane conductance regulator; plus strand), LOC111674477 (CFTR intron 23 enhancer; plus strand). Cytogenetic location: 7q31.2.
Variant type: single nucleotide variant.
Coding change: c.4437G>C on transcript NM_000492.4 (MANE Select); coding-DNA position 4437, G replaced by C.
Protein change: p.Arg1479Ser; replaces arginine 1479 with serine.
Molecular consequence: missense variant.
Genome position (GRCh38, 1-based): chr7:117,667,102, G>C. VCF-style: chr7-117667102-G-C. GRCh37 (hg19) VCF-style: chr7-117307156-G-C.
Other names: short protein forms R1479S.
Identifiers: ClinVar variation 3491683 (VCV003491683.1).